The following is an entry in ClinVar:

ClinVar aggregate classification (germline): Uncertain significance. Review status: criteria provided, multiple submitters, no conflicts (2 of 4 stars). 2 submissions from 2 submitters: Uncertain significance (2). Last evaluated 2024-09-10.

Conditions:
Inborn genetic diseases. Identifiers: MedGen C0950123, MeSH D030342.
Ehlers-Danlos syndrome, spondylodysplastic type, 3. Also called: Ehlers-Danlos syndrome, spondylocheirodysplastic type. Identifiers: Orphanet 157965, MedGen C2676510, MONDO:0012873, OMIM 612350.

Allele frequency attached by ClinVar (database versions not stated): ExAC 0.00001; gnomAD 0.00001; gnomAD exomes 0.00001 and 0.00002; TOPMed 0.00001.

Submissions (2):

Ambry Genetics
Classification: Uncertain significance for Inborn genetic diseases. Last evaluated: 2024-09-10. Review status: criteria provided, single submitter. Criteria: Ambry Variant Classification Scheme 2023. Collection method: clinical testing. Allele origin: germline.

Labcorp Genetics (formerly Invitae), Labcorp
Classification: Uncertain significance for Ehlers-Danlos syndrome, spondylodysplastic type, 3. Last evaluated: 2020-06-12. Review status: criteria provided, single submitter. Criteria: Invitae Variant Classification Sherloc (09022015). Collection method: clinical testing. Allele origin: germline.
Comment: In summary, the available evidence is currently insufficient to determine the role of this variant in disease. Therefore, it has been classified as a Variant of Uncertain Significance. Algorithms developed to predict the effect of missense changes on protein structure and function output the following: SIFT: "Tolerated"; PolyPhen-2: "Benign"; Align-GVGD: "Class C0". The arginine amino acid residue is found in multiple mammalian species, suggesting that this missense change does not adversely affect protein function. These predictions have not been confirmed by published functional studies and their clinical significance is uncertain. This variant has not been reported in the literature in individuals with SLC39A13-related conditions. The frequency data for this variant in the population databases is considered unreliable, as metrics indicate poor data quality at this position in the ExAC database. This sequence change replaces cysteine with arginine at codon 197 of the SLC39A13 protein (p.Cys197Arg). The cysteine residue is moderately conserved and there is a large physicochemical difference between cysteine and arginine.

NM_001128225.3(SLC39A13):c.589T>C (p.Cys197Arg)

Gene: SLC39A13 (solute carrier family 39 member 13; plus strand). Cytogenetic location: 11p11.2.
Variant type: single nucleotide variant.
Coding change: c.589T>C on transcript NM_001128225.3 (MANE Select); coding-DNA position 589, T replaced by C.
Protein change: p.Cys197Arg; replaces cysteine 197 with arginine.
Molecular consequence: missense variant. On other transcripts: non-coding transcript variant (1).
Genome position (GRCh38, 1-based): chr11:47,413,451, T>C. VCF-style: chr11-47413451-T-C. GRCh37 (hg19) VCF-style: chr11-47435002-T-C.
Other names: c.589T>C, p.Cys197Arg (NM_001330245.2, NM_152264.5); c.589T>C (NM_152264.4); short protein forms C197R.
Identifiers: ClinVar variation 1023087 (VCV001023087.10), dbSNP rs779407804, ClinGen allele CA5975834.
Genomic context (GRCh38, chr11:47,413,451, plus strand): 5'-TGGCCCTAGGCCCCCAACAAAGACCCCACTGCTGCTGCCGCCGCGCTCAATGGAGGCCAC[T>C]GTCTGGCCCAGCCGGCTGCAGAGCCCGGCCTCGGTGCCGTGGTCCGGAGCATCAAAGTGA-3'
Protein context (NP_001121697.2, residues 187-207): AAAAALNGGH[Cys197Arg]LAQPAAEPGL